The following is an entry in ClinVar:

ClinVar aggregate classification (germline): Uncertain significance (1 of 4 stars; one submission).

Conditions:
Neurodegeneration with brain iron accumulation 6 (NBIA6). Also called: COASY protein-associated neurodegeneration. Identifiers: Orphanet 397725, MedGen C4517377, MONDO:0014290, OMIM 615643.

Allele frequency attached by ClinVar (database versions not stated): ExAC 0.00001; gnomAD 0.00001; TOPMed 0.00002; gnomAD exomes 0.00003; ESP Exome Variant Server 0.00008.
gnomAD v4.1: 49 of 1,613,888 alleles (0.003%); highest among the groups gnomAD compares: Non-Finnish European, 0.004%; no homozygotes.

Submission:

Labcorp Genetics (formerly Invitae), Labcorp
Classification: Uncertain significance for Neurodegeneration with brain iron accumulation 6. Last evaluated: 2023-10-22. Review status: criteria provided, single submitter. Criteria: Invitae Variant Classification Sherloc (09022015). Collection method: clinical testing. Allele origin: germline.
Comment: This sequence change replaces aspartic acid, which is acidic and polar, with valine, which is neutral and non-polar, at codon 117 of the COASY protein (p.Asp117Val). This variant is present in population databases (rs368875340, gnomAD 0.0009%). This variant has not been reported in the literature in individuals affected with COASY-related conditions. Advanced modeling of protein sequence and biophysical properties (such as structural, functional, and spatial information, amino acid conservation, physicochemical variation, residue mobility, and thermodynamic stability) performed at Invitae indicates that this missense variant is expected to disrupt COASY protein function. In summary, the available evidence is currently insufficient to determine the role of this variant in disease. Therefore, it has been classified as a Variant of Uncertain Significance.

NM_025233.7(COASY):c.350A>T (p.Asp117Val)

Gene: COASY (Coenzyme A synthase; plus strand). Cytogenetic location: 17q21.2.
Variant type: single nucleotide variant.
Coding change: c.350A>T on transcript NM_025233.7 (MANE Select); coding-DNA position 350, A replaced by T.
Protein change: p.Asp117Val; replaces aspartic acid 117 with valine.
Molecular consequence: missense variant.
Genome position (GRCh38, 1-based): chr17:42,562,972, A>T. VCF-style: chr17-42562972-A-T. GRCh37 (hg19) VCF-style: chr17-40714990-A-T.
Other names: c.350A>T, p.Asp117Val (NM_001042529.3); c.437A>T, p.Asp146Val (NM_001042532.4); short protein forms D146V, D117V.
Identifiers: ClinVar variation 2912567 (VCV002912567.3), dbSNP rs368875340, ClinGen allele CA8577963.